The following is an entry in ClinVar:

ClinVar aggregate classification (germline): Likely benign (0 of 4 stars; one submission).

Conditions:
CREBBP-related disorder. Also called: CREBBP-related condition; CREBBP-related disorders.

gnomAD v4.1: 20 of 1,614,074 alleles (0.0012%); highest among the groups gnomAD compares: Non-Finnish European, 0.0016%; no homozygotes.

Submission:

PreventionGenetics, part of Exact Sciences
Classification: Likely benign for CREBBP-related condition. Last evaluated: 2021-10-09. Review status: no assertion criteria provided. Collection method: clinical testing. Allele origin: germline.
Comment: This variant is classified as likely benign based on ACMG/AMP sequence variant interpretation guidelines (Richards et al. 2015 PMID: 25741868, with internal and published modifications).

NM_004380.3(CREBBP):c.7258C>T (p.Leu2420=)

Gene: CREBBP (CREB binding lysine acetyltransferase; minus strand). Cytogenetic location: 16p13.3.
Variant type: single nucleotide variant.
Coding change: c.7258C>T on transcript NM_004380.3 (MANE Select); coding-DNA position 7258, C replaced by T.
Protein change: p.Leu2420=; no amino-acid change (leucine 2420 retained).
Molecular consequence: synonymous variant.
Genome position (GRCh38, 1-based): chr16:3,727,789, G>A on the plus strand (C>T on the coding strand, the complement: CREBBP is on the minus strand). VCF-style: chr16-3727789-G-A. GRCh37 (hg19) VCF-style: chr16-3777790-G-A.
Other names: c.7144C>T, p.Leu2382= (NM_001079846.1).
Identifiers: ClinVar variation 3352065 (VCV003352065.1).